The following is an entry in ClinVar:

NM_001130823.3(DNMT1):c.229G>C (p.Gly77Arg)

Gene: DNMT1 (DNA methyltransferase 1; minus strand). Cytogenetic location: 19p13.2.
Variant type: single nucleotide variant.
Coding change: c.229G>C on transcript NM_001130823.3 (MANE Select); coding-DNA position 229, G replaced by C.
Protein change: p.Gly77Arg; replaces glycine 77 with arginine.
Molecular consequence: missense variant. On other transcripts: intron variant (1).
Genome position (GRCh38, 1-based): chr19:10,180,566, C>G on the plus strand (G>C on the coding strand, the complement: DNMT1 is on the minus strand). VCF-style: chr19-10180566-C-G. GRCh37 (hg19) VCF-style: chr19-10291242-C-G.
Other names: c.229G>C, p.Gly77Arg (NM_001318730.2, NM_001379.4); c.-98-37G>C (NM_001318731.2); c.229G>C (NM_001130823.2); short protein forms G77R.
Identifiers: ClinVar variation 952212 (VCV000952212.11), dbSNP rs746687493, ClinGen allele CA305185047.

ClinVar aggregate classification (germline): Conflicting classifications of pathogenicity. Review status: criteria provided, conflicting classifications (1 of 4 stars). 3 submissions from 3 submitters: Uncertain significance (2); Likely benign (1). Last evaluated 2026-01-27.

Conditions:
Hereditary sensory neuropathy-deafness-dementia syndrome. Also called: HSN IE; Hereditary sensory neuropathy type IE; NEUROPATHY, HEREDITARY SENSORY, WITH HEARING LOSS AND DEMENTIA; Hereditary Sensory and Autonomic Neuropathy Type 1E (HSAN1E). Identifiers: Orphanet 456318, MedGen C3279885, MONDO:0013584, OMIM 614116.
DNMT1-related disorder. Also called: DNMT1-related condition. Identifiers: MedGen CN381527.

Allele frequency attached by ClinVar (database versions not stated): TOPMed 0.00002.
gnomAD v4.1: 3 of 1,613,876 alleles (0.00019%); highest among the groups gnomAD compares: Admixed American, 0.0017%; no homozygotes.

Submissions (3):

PreventionGenetics, part of Exact Sciences
Classification: Uncertain significance for DNMT1-related condition. Last evaluated: 2026-01-27. Review status: criteria provided, single submitter. Criteria: ACMG Guidelines, 2015. Collection method: clinical testing. Allele origin: germline.
Comment: The DNMT1 c.229G>C variant is predicted to result in the amino acid substitution p.Gly77Arg. To our knowledge, this variant has not been reported in the literature. This variant is reported in 0.0040% of alleles in individuals of African descent in gnomAD. At this time, the clinical significance of this variant is uncertain due to the absence of conclusive functional and genetic evidence.

Women's Health and Genetics/Laboratory Corporation of America, LabCorp
Classification: Uncertain significance. Last evaluated: 2025-07-07. Review status: criteria provided, single submitter. Criteria: LabCorp Variant Classification Summary - May 2015. Collection method: clinical testing. Allele origin: germline.
Comment: Variant summary: DNMT1 c.229G>C (p.Gly77Arg) results in a non-conservative amino acid change in the encoded protein sequence. Algorithms developed to predict the effect of missense changes on protein structure and function are either unavailable or do not agree on the potential impact of this missense change. The variant allele was found at a frequency of 4e-06 in 251388 control chromosomes. The available data on variant occurrences in the general population are insufficient to allow any conclusion about variant significance. To our knowledge, no occurrence of c.229G>C in individuals affected with Autosomal dominant cerebellar ataxia, deafness and narcolepsy and no experimental evidence demonstrating its impact on protein function have been reported. ClinVar contains an entry for this variant (Variation ID: 952212). Based on the evidence outlined above, the variant was classified as uncertain significance.

Labcorp Genetics (formerly Invitae), Labcorp
Classification: Likely benign for Hereditary sensory neuropathy-deafness-dementia syndrome. Last evaluated: 2023-11-27. Review status: criteria provided, single submitter. Criteria: Invitae Variant Classification Sherloc (09022015). Collection method: clinical testing. Allele origin: germline.